The following is an entry in ClinVar:

NM_001040142.2(SCN2A):c.479A>G (p.Tyr160Cys)

Gene: SCN2A (sodium voltage-gated channel alpha subunit 2; plus strand). Cytogenetic location: 2q24.3.
Variant type: single nucleotide variant.
Coding change: c.479A>G on transcript NM_001040142.2 (MANE Select); coding-DNA position 479, A replaced by G.
Protein change: p.Tyr160Cys; replaces tyrosine 160 with cysteine.
Molecular consequence: missense variant.
Genome position (GRCh38, 1-based): chr2:165,308,668, A>G. VCF-style: chr2-165308668-A-G. GRCh37 (hg19) VCF-style: chr2-166165178-A-G.
Other names: c.479A>G, p.Tyr160Cys (NM_001040143.2, NM_001371246.1, NM_001371247.1 and 1 more transcripts); short protein forms Y160C.
Identifiers: ClinVar variation 3777637 (VCV003777637.1).

ClinVar aggregate classification (germline): Uncertain significance (1 of 4 stars; one submission).

gnomAD v4.1: 2 of 1,611,468 alleles (0.00012%); highest among the groups gnomAD compares: Non-Finnish European, 0.000085%; no homozygotes.

Submission:

GeneDx
Classification: Uncertain significance. Last evaluated: 2024-10-09. Review status: criteria provided, single submitter. Criteria: GeneDx Variant Classification Process June 2021. Collection method: clinical testing. Allele origin: germline. Affected: yes.
Comment: Not observed at significant frequency in large population cohorts (gnomAD); In silico analysis supports that this missense variant has a deleterious effect on protein structure/function; Has not been previously published as pathogenic or benign to our knowledge; This substitution is predicted to be within the transmembrane segment S2 of the first homologous domain